The following is an entry in ClinVar:

NM_001145358.2(SIN3A):c.3592-21_3592-20delinsAG

Gene: SIN3A (SIN3 transcription regulator family member A; minus strand). Cytogenetic location: 15q24.2.
Variant type: Indel.
Coding change: c.3592-21_3592-20delinsAG on transcript NM_001145358.2 (MANE Select); 21 bases into the intron before coding-DNA position 3592 through 20 bases into the intron before coding-DNA position 3592, TT replaced by AG.
Molecular consequence: intron variant.
Genome position (GRCh38, 1-based): chr15:75,372,229-75,372,230, AA replaced by CT on the plus strand (TT replaced by AG on the coding strand, the reverse complement: SIN3A is on the minus strand). VCF-style: chr15-75372229-AA-CT. GRCh37 (hg19) VCF-style: chr15-75664570-AA-CT.
Other names: c.3592-21_3592-20delinsAG (NM_001145357.2, NM_015477.3).
Identifiers: ClinVar variation 2079240 (VCV002079240.4), dbSNP rs376205772, ClinGen allele CA2580089987.
Genomic context (GRCh38, chr15:75,372,229, plus strand): 5'-TGGAATCTCTGATGTAGACGCTTGCTTACACGCTCATGGGACTGCAAAACAGAAAAAAAA[AA>CT]TTTTATTAAATGAAGCAGAACCAAAAAAGAGCCCTTCAAATACAAAGCCTAATTTTCTTC-3'

ClinVar aggregate classification (germline): Uncertain significance (1 of 4 stars; one submission).

Submission:

Labcorp Genetics (formerly Invitae), Labcorp
Classification: Uncertain significance. Last evaluated: 2022-11-10. Review status: criteria provided, single submitter. Criteria: Invitae Variant Classification Sherloc (09022015). Collection method: clinical testing. Allele origin: germline.
Comment: This sequence change falls in intron 20 of the SIN3A gene. It does not directly change the encoded amino acid sequence of the SIN3A protein. Information on the frequency of this variant in the gnomAD database is not available, as this variant may be reported differently in the database. This variant has not been reported in the literature in individuals affected with SIN3A-related conditions. Experimental studies and prediction algorithms are not available or were not evaluated, and the effect of this variant on mRNA splicing is currently unknown. In summary, the available evidence is currently insufficient to determine the role of this variant in disease. Therefore, it has been classified as a Variant of Uncertain Significance.